The following is an entry in ClinVar:

NM_138927.4(SON):c.4786A>G (p.Thr1596Ala)

Gene: SON (SON DNA and RNA binding protein; plus strand). Cytogenetic location: 21q22.11.
Variant type: single nucleotide variant.
Coding change: c.4786A>G on transcript NM_138927.4 (MANE Select); coding-DNA position 4786, A replaced by G.
Protein change: p.Thr1596Ala; replaces threonine 1596 with alanine.
Molecular consequence: missense variant. On other transcripts: non-coding transcript variant (1), intron variant (1).
Genome position (GRCh38, 1-based): chr21:33,554,017, A>G. VCF-style: chr21-33554017-A-G. GRCh37 (hg19) VCF-style: chr21-34926323-A-G.
Other names: c.4786A>G, p.Thr1596Ala (NM_001291411.2, NM_001412133.1, NM_032195.3 and 2 more transcripts); c.245-3139A>G (NM_001291412.3); short protein forms T1596A.
Identifiers: ClinVar variation 2166250 (VCV002166250.4), dbSNP rs112659554, ClinGen allele CA410163379.
Genomic context (GRCh38, chr21:33,554,017, plus strand): 5'-ACAGTATTGGATACCTACCCTGGTGTTAGTGAAGCTGATGCAGGAGAAACTCTATCTTCT[A>G]CTGGTCCTTTTGCTCTGGAACCTGATGCAACAGGAACTAGTAAGGGTATTGAATTTACCA-3'
Protein context (NP_620305.3, residues 1586-1606): EADAGETLSS[Thr1596Ala]GPFALEPDAT

ClinVar aggregate classification (germline): Uncertain significance (1 of 4 stars; one submission).

Allele frequency attached by ClinVar (database versions not stated): gnomAD 0.00002; TOPMed 0.00006.
gnomAD v4.1: 6 of 1,613,976 alleles (0.00037%); highest among the groups gnomAD compares: Admixed American, 0.0083%; no homozygotes.

Submission:

Labcorp Genetics (formerly Invitae), Labcorp
Classification: Uncertain significance. Last evaluated: 2025-06-06. Review status: criteria provided, single submitter. Criteria: Invitae Variant Classification Sherloc (09022015). Collection method: clinical testing. Allele origin: germline.
Comment: This sequence change replaces threonine, which is neutral and polar, with alanine, which is neutral and non-polar, at codon 1596 of the SON protein (p.Thr1596Ala). This variant is present in population databases (no rsID available, gnomAD 0.006%). This variant has not been reported in the literature in individuals affected with SON-related conditions. ClinVar contains an entry for this variant (Variation ID: 2166250). An algorithm developed to predict the effect of missense changes on protein structure and function outputs the following: PolyPhen-2: "Benign". The alanine amino acid residue is found in multiple mammalian species, which suggests that this missense change does not adversely affect protein function. In summary, the available evidence is currently insufficient to determine the role of this variant in disease. Therefore, it has been classified as a Variant of Uncertain Significance.